The following is an entry in ClinVar:

ClinVar aggregate classification (germline): Benign (1 of 4 stars; one submission).

Conditions:
Familial cancer of breast. Also called: BREAST CANCER, FAMILIAL; Hereditary breast cancer; hereditary breast carcinoma. Identifiers: Orphanet 227535, MedGen C0346153, MONDO:0016419, OMIM 114480. Disease mechanism: loss of function.

Submission:

Myriad Genetics, Inc.
Classification: Benign for Familial cancer of breast. Last evaluated: 2024-05-20. Review status: criteria provided, single submitter. Criteria: Myriad Autosomal Dominant, Autosomal Recessive and X-Linked Classification Criteria (2023). Collection method: clinical testing. Allele origin: unknown.
Comment: This variant is considered benign. This variant is a silent/synonymous amino acid change and it is not expected to impact splicing.

NM_000051.4(ATM):c.4638G>T (p.Val1546=)

Gene: ATM (ATM serine/threonine kinase; plus strand). Cytogenetic location: 11q22.3.
Variant type: single nucleotide variant.
Coding change: c.4638G>T on transcript NM_000051.4 (MANE Select); coding-DNA position 4638, G replaced by T.
Protein change: p.Val1546=; no amino-acid change (valine 1546 retained).
Molecular consequence: synonymous variant.
Genome position (GRCh38, 1-based): chr11:108,293,339, G>T. VCF-style: chr11-108293339-G-T. GRCh37 (hg19) VCF-style: chr11-108164066-G-T.
Other names: c.4638G>T, p.Val1546= (NM_001351834.2).
Identifiers: ClinVar variation 3254264 (VCV003254264.1), dbSNP rs2135810356.